The following is an entry in ClinVar:

NM_000419.5(ITGA2B):c.2201T>A (p.Met734Lys)

Gene: ITGA2B (integrin subunit alpha 2b; minus strand). Cytogenetic location: 17q21.31.
Variant type: single nucleotide variant.
Coding change: c.2201T>A on transcript NM_000419.5 (MANE Select); coding-DNA position 2201, T replaced by A.
Protein change: p.Met734Lys; replaces methionine 734 with lysine.
Molecular consequence: missense variant.
Genome position (GRCh38, 1-based): chr17:44,377,075, A>T on the plus strand (T>A on the coding strand, the complement: ITGA2B is on the minus strand). VCF-style: chr17-44377075-A-T. GRCh37 (hg19) VCF-style: chr17-42454443-A-T.
Other names: short protein forms M734K.
Identifiers: ClinVar variation 2902573 (VCV002902573.3), dbSNP rs1333506979, ClinGen allele CA399798609.

ClinVar aggregate classification (germline): Uncertain significance (1 of 4 stars; one submission).

Conditions:
Glanzmann thrombasthenia. Also called: PLATELET GLYCOPROTEIN IIb-IIIa DEFICIENCY; BLEEDING DISORDER, PLATELET-TYPE, 2; THROMBASTHENIA OF GLANZMANN AND NAEGELI; Thrombasthenia; Glanzmann's thrombasthenia. Identifiers: Orphanet 849, MedGen C0040015, MONDO:0100326.

gnomAD v4.1: 6 of 1,580,834 alleles (0.00038%); highest among the groups gnomAD compares: Non-Finnish European, 0.00043%; no homozygotes.

Submission:

Labcorp Genetics (formerly Invitae), Labcorp
Classification: Uncertain significance for Glanzmann thrombasthenia. Last evaluated: 2022-12-26. Review status: criteria provided, single submitter. Criteria: Invitae Variant Classification Sherloc (09022015). Collection method: clinical testing. Allele origin: germline.
Comment: This sequence change replaces methionine, which is neutral and non-polar, with lysine, which is basic and polar, at codon 734 of the ITGA2B protein (p.Met734Lys). In summary, the available evidence is currently insufficient to determine the role of this variant in disease. Therefore, it has been classified as a Variant of Uncertain Significance. Advanced modeling of protein sequence and biophysical properties (such as structural, functional, and spatial information, amino acid conservation, physicochemical variation, residue mobility, and thermodynamic stability) performed at Invitae indicates that this missense variant is not expected to disrupt ITGA2B protein function. This variant has not been reported in the literature in individuals affected with ITGA2B-related conditions. This variant is present in population databases (no rsID available, gnomAD 0.001%).